The following is an entry in ClinVar:

NM_015425.6(POLR1A):c.2986C>G (p.Leu996Val)

Gene: POLR1A (RNA polymerase I subunit A; minus strand). Cytogenetic location: 2p11.2.
Variant type: single nucleotide variant.
Coding change: c.2986C>G on transcript NM_015425.6 (MANE Select); coding-DNA position 2986, C replaced by G.
Protein change: p.Leu996Val; replaces leucine 996 with valine.
Molecular consequence: missense variant.
Genome position (GRCh38, 1-based): chr2:86,044,288, G>C on the plus strand (C>G on the coding strand, the complement: POLR1A is on the minus strand). VCF-style: chr2-86044288-G-C. GRCh37 (hg19) VCF-style: chr2-86271411-G-C.
Other names: short protein forms L996V.
Identifiers: ClinVar variation 3610751 (VCV003610751.1).

ClinVar aggregate classification (germline): Uncertain significance (1 of 4 stars; one submission).

gnomAD v4.1: 15 of 1,614,174 alleles (0.00093%); highest among the groups gnomAD compares: Non-Finnish European, 0.0013%; no homozygotes.

Submission:

Labcorp Genetics (formerly Invitae), Labcorp
Classification: Uncertain significance. Last evaluated: 2024-03-01. Review status: criteria provided, single submitter. Criteria: Invitae Variant Classification Sherloc (09022015). Collection method: clinical testing. Allele origin: germline.
Comment: This sequence change replaces leucine, which is neutral and non-polar, with valine, which is neutral and non-polar, at codon 996 of the POLR1A protein (p.Leu996Val). This variant is present in population databases (rs775524948, gnomAD 0.003%). This variant has not been reported in the literature in individuals affected with POLR1A-related conditions. Advanced modeling of protein sequence and biophysical properties (such as structural, functional, and spatial information, amino acid conservation, physicochemical variation, residue mobility, and thermodynamic stability) performed at Invitae indicates that this missense variant is expected to disrupt POLR1A protein function with a positive predictive value of 80%. In summary, the available evidence is currently insufficient to determine the role of this variant in disease. Therefore, it has been classified as a Variant of Uncertain Significance.